The following is an entry in ClinVar:

NM_001374736.1(DST):c.12351T>G (p.Thr4117=)

Genes: DST (dystonin; minus strand), LOC129996656 (ATAC-STARR-seq lymphoblastoid active region 24702; plus strand). Cytogenetic location: 6p12.1.
Variant type: single nucleotide variant.
Coding change: c.12351T>G on transcript NM_001374736.1 (MANE Select); coding-DNA position 12351, T replaced by G.
Protein change: p.Thr4117=; no amino-acid change (threonine 4117 retained).
Molecular consequence: synonymous variant.
Genome position (GRCh38, 1-based): chr6:56,594,038, A>C on the plus strand (T>G on the coding strand, the complement: DST is on the minus strand). VCF-style: chr6-56594038-A-C. GRCh37 (hg19) VCF-style: chr6-56458836-A-C.
Other names: p.Thr1494=; c.5994T>G, p.Thr1998= (NM_001144769.5); c.5580T>G, p.Thr1860= (NM_001144770.2); c.12351T>G, p.Thr4117= (NM_001374722.1); c.11718T>G, p.Thr3906= (NM_001374729.1); c.5460T>G, p.Thr1820= (NM_001374730.1, NM_001386100.1, NM_183380.4); c.12378T>G, p.Thr4126= (NM_001374734.1); c.4482T>G, p.Thr1494= (NM_015548.5).
Identifiers: ClinVar variation 795667 (VCV000795667.17), dbSNP rs16888032, ClinGen allele CA3868460.

ClinVar aggregate classification (germline): Benign/Likely benign. Review status: criteria provided, multiple submitters, no conflicts (2 of 4 stars). 5 submissions from 5 submitters: Benign (2); Likely benign (2). 1 of the submissions does not count toward it. Last evaluated 2026-01-28.

Conditions:
DST-related disorder. Also called: DST-related condition; DST-related disorders.
Hereditary sensory and autonomic neuropathy type 6. Also called: HSAN VI; Neuropathy, hereditary sensory and autonomic, type VI. Identifiers: Orphanet 314381, MedGen C3539003, MONDO:0013839, OMIM 614653.
Epidermolysis bullosa simplex 3, localized or generalized intermediate, with BP230 deficiency (EBS3). Also called: Epidermolysis bullosa simplex, autosomal recessive 2; Epidermolysis bullosa simplex due to BP230 deficiency. Identifiers: Orphanet 412181, MedGen C3809470, MONDO:0014180, OMIM 615425.

Allele frequency attached by ClinVar (database versions not stated): ExAC 0.00400; 1000 Genomes Project 0.01258; gnomAD exomes 0.00153 and 0.00343; TOPMed 0.01420; gnomAD 0.01269 and 0.01374; 1000 Genomes Project 30x 0.01327; ESP Exome Variant Server 0.01421.
gnomAD v4.1: 4,264 of 1,613,722 alleles (0.26%); highest among the groups gnomAD compares: African/African-American, 4.3%; 86 homozygotes.

Submissions (5):

Labcorp Genetics (formerly Invitae), Labcorp
Classification: Benign for Epidermolysis bullosa simplex 3, localized or generalized intermediate, with BP230 deficiency; Hereditary sensory and autonomic neuropathy type 6. Last evaluated: 2026-01-28. Review status: criteria provided, single submitter. Criteria: Invitae Variant Classification Sherloc (09022015). Collection method: clinical testing. Allele origin: germline.

Mayo Clinic Laboratories, Mayo Clinic
Classification: Benign. Last evaluated: 2025-12-15. Review status: criteria provided, single submitter. Criteria: ACMG Guidelines, 2015. Collection method: clinical testing. Allele origin: germline. Observed: 9 variant alleles.

GeneDx
Classification: Likely benign. Last evaluated: 2021-09-11. Review status: criteria provided, single submitter. Criteria: GeneDx Variant Classification Process June 2021. Collection method: clinical testing. Allele origin: germline. Affected: yes.

Breakthrough Genomics
Classification: Likely benign. Review status: criteria provided, single submitter. Criteria: ACMG Guidelines, 2015. Collection method: not provided. Allele origin: germline. Inheritance: Autosomal recessive inheritance. Affected: yes.

PreventionGenetics, part of Exact Sciences
Classification: Benign for DST-related condition. Last evaluated: 2019-03-13. Review status: no assertion criteria provided. Collection method: clinical testing. Allele origin: germline. Not counted in ClinVar's aggregate classification.
Comment: This variant is classified as benign based on ACMG/AMP sequence variant interpretation guidelines (Richards et al. 2015 PMID: 25741868, with internal and published modifications).